The following is an entry in ClinVar:

NM_015178.3(RHOBTB2):c.2094A>G (p.Lys698=)

Gene: RHOBTB2 (Rho related BTB domain containing 2; plus strand). Cytogenetic location: 8p21.3.
Variant type: single nucleotide variant.
Coding change: c.2094A>G on transcript NM_015178.3 (MANE Select); coding-DNA position 2094, A replaced by G.
Protein change: p.Lys698=; no amino-acid change (lysine 698 retained).
Molecular consequence: synonymous variant.
Genome position (GRCh38, 1-based): chr8:23,017,379, A>G. VCF-style: chr8-23017379-A-G. GRCh37 (hg19) VCF-style: chr8-22874892-A-G.
Other names: c.2160A>G, p.Lys720= (NM_001160036.2); c.2115A>G, p.Lys705= (NM_001160037.2); c.2094A>G, p.Lys698= (NM_001374791.1).
Identifiers: ClinVar variation 1243393 (VCV001243393.13), dbSNP rs759652, ClinGen allele CA4672860.

ClinVar aggregate classification (germline): Benign. Review status: criteria provided, multiple submitters, no conflicts (2 of 4 stars). 4 submissions from 4 submitters: Benign (3). 1 of the submissions does not count toward it. Last evaluated 2026-02-03.

Conditions:
RHOBTB2-related disorder. Also called: RHOBTB2-related condition.

Allele frequency attached by ClinVar (database versions not stated): gnomAD exomes 0.00351 and 0.00905; ExAC 0.01092; gnomAD 0.03306 and 0.03499; 1000 Genomes Project 30x 0.03873; TOPMed 0.03650; ESP Exome Variant Server 0.03721; 1000 Genomes Project 0.03814.
gnomAD v4.1: 10,454 of 1,614,016 alleles (0.65%); highest among the groups gnomAD compares: African/African-American, 11%; 504 homozygotes.

Submissions (4):

Labcorp Genetics (formerly Invitae), Labcorp
Classification: Benign. Last evaluated: 2026-02-03. Review status: criteria provided, single submitter. Criteria: Invitae Variant Classification Sherloc (09022015). Collection method: clinical testing. Allele origin: germline.

GeneDx
Classification: Benign. Last evaluated: 2021-05-06. Review status: criteria provided, single submitter. Criteria: GeneDx Variant Classification Process June 2021. Collection method: clinical testing. Allele origin: germline. Affected: yes.

Breakthrough Genomics
Classification: Benign. Review status: criteria provided, single submitter. Criteria: ACMG Guidelines, 2015. Collection method: not provided. Allele origin: germline. Inheritance: Autosomal dominant inheritance. Affected: yes.

PreventionGenetics, part of Exact Sciences
Classification: Benign for RHOBTB2-related condition. Last evaluated: 2019-06-26. Review status: no assertion criteria provided. Collection method: clinical testing. Allele origin: germline. Not counted in ClinVar's aggregate classification.
Comment: This variant is classified as benign based on ACMG/AMP sequence variant interpretation guidelines (Richards et al. 2015 PMID: 25741868, with internal and published modifications).